The following is an entry in ClinVar:

NM_001395414.1(MUC22):c.944C>T (p.Ser315Phe)

Gene: MUC22 (mucin 22; plus strand). Cytogenetic location: 6p21.33.
Variant type: single nucleotide variant.
Coding change: c.944C>T on transcript NM_001395414.1 (MANE Select); coding-DNA position 944, C replaced by T.
Protein change: p.Ser315Phe; replaces serine 315 with phenylalanine.
Molecular consequence: missense variant.
Genome position (GRCh38, 1-based): chr6:31,026,375, C>T. VCF-style: chr6-31026375-C-T. GRCh37 (hg19) VCF-style: chr6-30994152-C-T.
Other names: c.944C>T, p.Ser315Phe (NM_001198815.1); c.953C>T, p.Ser318Phe (NM_001318484.1); short protein forms S315F, S318F.
Identifiers: ClinVar variation 3771473 (VCV003771473.13).
Genomic context (GRCh38, chr6:31,026,375, plus strand): 5'-CTGAGACCACCACCCCCTCCCCCACAGGCTCTCAGACCACCATAGTCTCTATTTCAGGTT[C>T]TGAGATCACCACCACCTCTACGGCAGGATCCGAGAACACCACAGTCTCTAGTGCAGGCTC-3'
Protein context (NP_001382343.1, residues 305-325): SQTTIVSISG[Ser315Phe]EITTTSTAGS

ClinVar aggregate classification (germline): Likely benign (1 of 4 stars; one submission).

gnomAD v4.1: 675 of 1,508,084 alleles (0.045%); highest among the groups gnomAD compares: African/African-American, 0.84%; 39 homozygotes.

Submission:

CeGaT Center for Human Genetics Tuebingen
Classification: Likely benign. Last evaluated: 2025-02-01. Review status: criteria provided, single submitter. Criteria: CeGaT Center For Human Genetics Tuebingen Variant Classification Criteria Version 2. Collection method: clinical testing. Allele origin: germline. Affected: yes. Observed: 1 variant allele.
Comment: MUC22: BP4, BS2